The following is an entry in ClinVar:

ClinVar aggregate classification (germline): Uncertain significance (1 of 4 stars; one submission).

Submission:

GeneDx
Classification: Uncertain significance. Last evaluated: 2024-03-07. Review status: criteria provided, single submitter. Criteria: GeneDx Variant Classification Process June 2021. Collection method: clinical testing. Allele origin: germline. Affected: yes.
Comment: Has not been previously published as pathogenic or benign to our knowledge; Not observed at significant frequency in large population cohorts (gnomAD); In silico analysis supports that this missense variant has a deleterious effect on protein structure/function; Missense variants in this gene are a common cause of disease and they are underrepresented in the general population

NM_022041.4(GAN):c.620C>G (p.Thr207Arg)

Gene: GAN (gigaxonin; plus strand). Cytogenetic location: 16q23.2.
Variant type: single nucleotide variant.
Coding change: c.620C>G on transcript NM_022041.4 (MANE Select); coding-DNA position 620, C replaced by G.
Protein change: p.Thr207Arg; replaces threonine 207 with arginine.
Molecular consequence: missense variant. On other transcripts: 5 prime UTR variant (1).
Genome position (GRCh38, 1-based): chr16:81,354,742, C>G. VCF-style: chr16-81354742-C-G. GRCh37 (hg19) VCF-style: chr16-81388347-C-G.
Other names: c.-20C>G (NM_001377486.1); short protein forms T207R.
Identifiers: ClinVar variation 3370554 (VCV003370554.1).